The following is an entry in ClinVar:

ClinVar aggregate classification (germline): Likely pathogenic (1 of 4 stars; one submission).

Conditions:
Hereditary cancer-predisposing syndrome. Also called: Hereditary Cancer Syndrome; Tumor predisposition; Hereditary neoplastic syndrome; Neoplastic Syndromes, Hereditary. Identifiers: Orphanet 140162, MedGen C0027672, MeSH D009386, MONDO:0015356.

Submission:

Ambry Genetics
Classification: Likely pathogenic for Hereditary cancer-predisposing syndrome. Last evaluated: 2024-05-31. Review status: criteria provided, single submitter. Criteria: Ambry Variant Classification Scheme 2023. Collection method: clinical testing. Allele origin: germline.
Comment: The c.1141-1G>C intronic variant results from a G to C substitution one nucleotide upstream from coding exon 8 of the BRIP1 gene. This variant is considered to be rare based on population cohorts in the Genome Aggregation Database (gnomAD). This nucleotide position is highly conserved in available vertebrate species. In silico splice site analysis predicts that this alteration will weaken the native splice acceptor site and will result in the creation or strengthening of a novel splice acceptor site; however, direct evidence is insufficient at this time (Ambry internal data). Alterations that disrupt the canonical splice site are expected to cause aberrant splicing, resulting in an abnormal protein or a transcript that is subject to nonsense-mediated mRNA decay. As such, this alteration is classified as likely pathogenic.

NM_032043.3(BRIP1):c.1141-1G>C

Gene: BRIP1 (BRCA1 interacting DNA helicase 1; minus strand). Cytogenetic location: 17q23.2.
Variant type: single nucleotide variant.
Coding change: c.1141-1G>C on transcript NM_032043.3 (MANE Select); the canonical splice acceptor site of the intron before coding-DNA position 1141, G replaced by C.
Molecular consequence: splice acceptor variant.
Genome position (GRCh38, 1-based): chr17:61,799,300, C>G on the plus strand (G>C on the coding strand, the complement: BRIP1 is on the minus strand). VCF-style: chr17-61799300-C-G. GRCh37 (hg19) VCF-style: chr17-59876661-C-G.
Identifiers: ClinVar variation 3261822 (VCV003261822.1).